The following is an entry in ClinVar:

ClinVar aggregate classification (germline): Uncertain significance. Review status: criteria provided, multiple submitters, no conflicts (2 of 4 stars). 8 submissions from 5 submitters: Uncertain significance (8). Last evaluated 2025-06-04.

Conditions:
Jervell and Lange-Nielsen syndrome 1 (JLNS1). Also called: CARDIOAUDITORY SYNDROME OF JERVELL AND LANGE-NIELSEN; DEAFNESS, CONGENITAL, AND FUNCTIONAL HEART DISEASE; PROLONGED QT INTERVAL IN EKG AND SUDDEN DEATH; SURDO-CARDIAC SYNDROME. Identifiers: Orphanet 768, Orphanet 90647, MedGen C4551509, MONDO:0024540, OMIM 220400.
Atrial fibrillation, familial, 3 (ATFB3). Identifiers: MedGen C1837014, MONDO:0011857, OMIM 607554.
Short QT syndrome type 2. Identifiers: Orphanet 51083, MedGen C1865019, MONDO:0012313, OMIM 609621.
Cardiovascular phenotype. Identifiers: MedGen CN230736.
Long QT syndrome 1 (LQT1). Identifiers: Orphanet 101016, Orphanet 768, MedGen C4551647, MONDO:0100316, OMIM 192500, MONDO:0008646.
Beckwith-Wiedemann syndrome (BWS). Also called: Exomphalos macroglossia gigantism syndrome; EMG SYNDROME. Identifiers: Orphanet 116, MedGen C0004903, MONDO:0007534, OMIM 130650.
Long QT syndrome (LQTS). Identifiers: MedGen C0023976, MeSH D008133, MONDO:0002442. Disease mechanism: loss of function. Inheritance: Various modes of inheritance.

Allele frequency attached by ClinVar (database versions not stated): gnomAD 0.00004; TOPMed 0.00004; gnomAD exomes 0.00008.
gnomAD v4.1: 82 of 1,123,610 alleles (0.0073%); highest among the groups gnomAD compares: Non-Finnish European, 0.0087%; no homozygotes.

Submissions (8):

Labcorp Genetics (formerly Invitae), Labcorp
Classification: Uncertain significance for Long QT syndrome. Last evaluated: 2025-06-04. Review status: criteria provided, single submitter. Criteria: Invitae Variant Classification Sherloc (09022015). Collection method: clinical testing. Allele origin: germline.
Comment: This sequence change replaces arginine, which is basic and polar, with leucine, which is neutral and non-polar, at codon 14 of the KCNQ1 protein (p.Arg14Leu). This variant is not present in population databases (gnomAD no frequency). This variant has not been reported in the literature in individuals affected with KCNQ1-related conditions. ClinVar contains an entry for this variant (Variation ID: 804969). Invitae Evidence Modeling of protein sequence and biophysical properties (such as structural, functional, and spatial information, amino acid conservation, physicochemical variation, residue mobility, and thermodynamic stability) has been performed for this missense variant. However, the output from this modeling did not meet the statistical confidence thresholds required to predict the impact of this variant on KCNQ1 protein function. In summary, the available evidence is currently insufficient to determine the role of this variant in disease. Therefore, it has been classified as a Variant of Uncertain Significance.

Fulgent Genetics
Classification: Uncertain significance for Beckwith-Wiedemann syndrome; Long QT syndrome 1; Jervell and Lange-Nielsen syndrome 1; Atrial fibrillation, familial, 3; Short QT syndrome type 2. Last evaluated: 2021-10-04. Review status: criteria provided, single submitter. Criteria: ACMG Guidelines, 2015. Collection method: clinical testing. Allele origin: unknown.

Ambry Genetics
Classification: Uncertain significance for Cardiovascular phenotype. Last evaluated: 2019-12-12. Review status: criteria provided, single submitter. Criteria: Ambry Variant Classification Scheme 2023. Collection method: clinical testing. Allele origin: germline.
Comment: The p.R14L variant (also known as c.41G>T), located in coding exon 1 of the KCNQ1 gene, results from a G to T substitution at nucleotide position 41. The arginine at codon 14 is replaced by leucine, an amino acid with dissimilar properties. This amino acid position is highly conserved in available vertebrate species. In addition, the in silico prediction for this alteration is inconclusive. Since supporting evidence is limited at this time, the clinical significance of this alteration remains unclear.

Athena Diagnostics
Classification: Uncertain significance. Last evaluated: 2019-02-13. Review status: criteria provided, single submitter. Criteria: Athena Diagnostics Criteria. Collection method: clinical testing. Allele origin: germline.

Illumina Laboratory Services, Illumina
Classification: Uncertain significance for Atrial fibrillation, familial, 3. Last evaluated: 2017-04-28. Review status: criteria provided, single submitter. Criteria: ICSL Variant Classification Criteria 13 December 2019. Collection method: clinical testing. Allele origin: germline.

Illumina Laboratory Services, Illumina
Classification: Uncertain significance for Jervell and Lange-Nielsen syndrome 1. Last evaluated: 2017-04-28. Review status: criteria provided, single submitter. Criteria: ICSL Variant Classification Criteria 13 December 2019. Collection method: clinical testing. Allele origin: germline.

Illumina Laboratory Services, Illumina
Classification: Uncertain significance for Long QT syndrome 1. Last evaluated: 2017-04-28. Review status: criteria provided, single submitter. Criteria: ICSL Variant Classification Criteria 13 December 2019. Collection method: clinical testing. Allele origin: germline.

Illumina Laboratory Services, Illumina
Classification: Uncertain significance for Short QT syndrome type 2. Last evaluated: 2017-04-28. Review status: criteria provided, single submitter. Criteria: ICSL Variant Classification Criteria 13 December 2019. Collection method: clinical testing. Allele origin: germline.

NM_000218.3(KCNQ1):c.41G>T (p.Arg14Leu)

Gene: KCNQ1 (potassium voltage-gated channel subfamily Q member 1; plus strand). Cytogenetic location: 11p15.5.
Variant type: single nucleotide variant.
Coding change: c.41G>T on transcript NM_000218.3 (MANE Select); coding-DNA position 41, G replaced by T.
Protein change: p.Arg14Leu; replaces arginine 14 with leucine.
Molecular consequence: missense variant.
Genome position (GRCh38, 1-based): chr11:2,445,139, G>T. VCF-style: chr11-2445139-G-T. GRCh37 (hg19) VCF-style: chr11-2466369-G-T.
Other names: short protein forms R14L.
Identifiers: ClinVar variation 804969 (VCV000804969.14), dbSNP rs1424013094, ClinGen allele CA16622147.
Genomic context (GRCh38, chr11:2,445,139, plus strand): 5'-CCCGGCAGGCCCTCCTCGTTATGGCCGCGGCCTCCTCCCCGCCCAGGGCCGAGAGGAAGC[G>T]CTGGGGTTGGGGCCGCCTGCCAGGCGCCCGGCGGGGCAGCGCGGGCCTGGCCAAGAAGTG-3'
Protein context (NP_000209.2, residues 4-24): ASSPPRAERK[Arg14Leu]WGWGRLPGAR